The following is an entry in ClinVar:

NM_001457.4(FLNB):c.4389A>G (p.Arg1463=)

Gene: FLNB (filamin B; plus strand). Cytogenetic location: 3p14.3.
Variant type: single nucleotide variant.
Coding change: c.4389A>G on transcript NM_001457.4 (MANE Select); coding-DNA position 4389, A replaced by G.
Protein change: p.Arg1463=; no amino-acid change (arginine 1463 retained).
Molecular consequence: synonymous variant.
Genome position (GRCh38, 1-based): chr3:58,130,907, A>G. VCF-style: chr3-58130907-A-G. GRCh37 (hg19) VCF-style: chr3-58116634-A-G.
Other names: c.4389A>G, p.Arg1463= (NM_001164317.2, NM_001164318.2, NM_001164319.2).
Identifiers: ClinVar variation 3676812 (VCV003676812.2).

ClinVar aggregate classification (germline): Uncertain significance (1 of 4 stars; one submission).

gnomAD v4.1: 2 of 1,609,964 alleles (0.00012%); highest among the groups gnomAD compares: Admixed American, 0.0033%; no homozygotes.

Submission:

Labcorp Genetics (formerly Invitae), Labcorp
Classification: Uncertain significance. Last evaluated: 2025-01-29. Review status: criteria provided, single submitter. Criteria: Invitae Variant Classification Sherloc (09022015). Collection method: clinical testing. Allele origin: germline.
Comment: This sequence change affects codon 1463 of the FLNB mRNA. It is a 'silent' change, meaning that it does not change the encoded amino acid sequence of the FLNB protein. It affects a nucleotide within the consensus splice site. This variant is not present in population databases (gnomAD no frequency). This variant has not been reported in the literature in individuals affected with FLNB-related conditions. Algorithms developed to predict the effect of sequence changes on RNA splicing suggest that this variant is not likely to affect RNA splicing. In summary, the available evidence is currently insufficient to determine the role of this variant in disease. Therefore, it has been classified as a Variant of Uncertain Significance.